The following is an entry in ClinVar:

NM_004152.3(OAZ1):c.663A>T (p.Glu221Val)

Gene: OAZ1 (ornithine decarboxylase antizyme 1; plus strand). Cytogenetic location: 19p13.3.
Variant type: single nucleotide variant.
Coding change: c.663A>T on transcript NM_004152.3; coding-DNA position 663, A replaced by T.
Protein change: p.Glu221Val; replaces glutamic acid 221 with valine.
Molecular consequence: missense variant.
Genome position (GRCh38, 1-based): chr19:2,273,083, A>T. VCF-style: chr19-2273083-A-T. GRCh37 (hg19) VCF-style: chr19-2273082-A-T.
Other names: c.657A>T, p.Glu219Val (NM_001301020.1); short protein forms E219V, E221V.
Identifiers: ClinVar variation 2648969 (VCV002648969.24), dbSNP rs201200204, ClinGen allele CA9063839.

ClinVar aggregate classification (germline): Likely benign (1 of 4 stars; one submission).

Allele frequency attached by ClinVar (database versions not stated): TOPMed 0.00282; ExAC 0.00382; gnomAD exomes 0.00426; ESP Exome Variant Server 0.00434; 1000 Genomes Project 30x 0.00094; 1000 Genomes Project 0.00100.

Submission:

CeGaT Center for Human Genetics Tuebingen
Classification: Likely benign. Last evaluated: 2023-10-01. Review status: criteria provided, single submitter. Criteria: CeGaT Center For Human Genetics Tuebingen Variant Classification Criteria Version 2. Collection method: clinical testing. Allele origin: germline. Affected: yes. Observed: 2 variant alleles.
Comment: OAZ1: BP4, BS2